The following is an entry in ClinVar:

NM_001128.6(AP1G1):c.1246C>T (p.Arg416Ter)

Gene: AP1G1 (adaptor related protein complex 1 subunit gamma 1; minus strand). Cytogenetic location: 16q22.2.
Variant type: single nucleotide variant.
Coding change: c.1246C>T on transcript NM_001128.6 (MANE Select); coding-DNA position 1246, C replaced by T.
Protein change: p.Arg416Ter; replaces arginine 416 with a stop codon.
Molecular consequence: nonsense.
Genome position (GRCh38, 1-based): chr16:71,753,871, G>A on the plus strand (C>T on the coding strand, the complement: AP1G1 is on the minus strand). VCF-style: chr16-71753871-G-A. GRCh37 (hg19) VCF-style: chr16-71787774-G-A.
Other names: c.1255C>T, p.Arg419Ter (NM_001030007.2); short protein forms R416*, R419*.
Identifiers: ClinVar variation 1708225 (VCV001708225.8), dbSNP rs1333884260, ClinGen allele CA396668022.

ClinVar aggregate classification (germline): Pathogenic. Review status: criteria provided, multiple submitters, no conflicts (2 of 4 stars). 3 submissions from 3 submitters: Pathogenic (3). Last evaluated 2025-10-17.

Conditions:
Usmani-Riazuddin syndrome, autosomal dominant (USRISD). Identifiers: MedGen C5561952, MONDO:0859174, OMIM 619467.

Submissions (3):

Variantyx, Inc.
Classification: Pathogenic for Usmani-Riazuddin syndrome, autosomal dominant. Last evaluated: 2025-10-17. Review status: criteria provided, single submitter. Criteria: Variantyx Assertion Criteria 2022. Collection method: clinical testing. Allele origin: germline. Inheritance: Autosomal dominant inheritance. Affected: yes.
Comment: This is a nonsense variant in the AP1G1 gene (OMIM: 603533). Pathogenic variants in this gene have been associated with autosomal dominant Usmani-Riazuddin syndrome. This variant introduces a premature termination codon in exon 13 out of 23 and is expected to result in loss of function, which is a known disease mechanism for AP1G1 in this disorder (PMID: 34102099) (PVS1). This variant has been reported in at least one affected individual (PMID: 36980980) (PS4), but it is absent from control populations (PM2). Based on the current evidence, this variant is classified as pathogenic for autosomal dominant Usmani-Riazuddin syndrome.

Institute of Human Genetics Munich, TUM University Hospital
Classification: Pathogenic for Usmani-Riazuddin syndrome, autosomal dominant. Last evaluated: 2024-08-13. Review status: criteria provided, single submitter. Criteria: Classification criteria August 2017. Collection method: clinical testing. Allele origin: de novo. Inheritance: Autosomal dominant inheritance. Affected: yes. Observed: 1 variant allele.

Genetics Laboratory, UDIAT-Centre Diagnòstic, Hospital Universitari Parc Tauli
Classification: Pathogenic for Usmani-Riazuddin syndrome, autosomal dominant. Last evaluated: 2022-10-04. Review status: criteria provided, single submitter. Criteria: Parc Tauli Hospital Assertion Criteria 2021. Collection method: clinical testing. Allele origin: de novo. Inheritance: Autosomal dominant inheritance. Affected: yes.
Comment: PVS1;PM6;PM2_supporting

Literature cited by the submitters: PubMed 36980980 (cited by Variantyx, Inc.).